The following is an entry in ClinVar:

NM_018474.6(KIZ):c.221A>G (p.His74Arg)

Gene: KIZ (kizuna centrosomal protein; plus strand). Cytogenetic location: 20p11.23.
Variant type: single nucleotide variant.
Coding change: c.221A>G on transcript NM_018474.6 (MANE Select); coding-DNA position 221, A replaced by G.
Protein change: p.His74Arg; replaces histidine 74 with arginine.
Molecular consequence: missense variant. On other transcripts: 5 prime UTR variant (1), intron variant (4).
Genome position (GRCh38, 1-based): chr20:21,136,458, A>G. VCF-style: chr20-21136458-A-G. GRCh37 (hg19) VCF-style: chr20-21117099-A-G.
Other names: c.221A>G, p.His74Arg (NM_001352434.2); c.-166A>G (NM_001352436.2); c.169-9107A>G (NM_001276389.2); c.6+4299A>G (NM_001163022.3, NM_001352435.2, NM_001163023.3); short protein forms H74R.
Identifiers: ClinVar variation 1430498 (VCV001430498.6), dbSNP rs930337422, ClinGen allele CA312976885.

ClinVar aggregate classification (germline): Uncertain significance (1 of 4 stars; one submission).

Allele frequency attached by ClinVar (database versions not stated): gnomAD exomes below 0.00001; gnomAD 0.00002.
gnomAD v4.1: 6 of 1,584,460 alleles (0.00038%); highest among the groups gnomAD compares: Admixed American, 0.007%; no homozygotes.

Submission:

Labcorp Genetics (formerly Invitae), Labcorp
Classification: Uncertain significance. Last evaluated: 2023-12-07. Review status: criteria provided, single submitter. Criteria: Invitae Variant Classification Sherloc (09022015). Collection method: clinical testing. Allele origin: germline.
Comment: This sequence change replaces histidine, which is basic and polar, with arginine, which is basic and polar, at codon 74 of the KIZ protein (p.His74Arg). This variant is not present in population databases (gnomAD no frequency). This variant has not been reported in the literature in individuals affected with KIZ-related conditions. Experimental studies and prediction algorithms are not available or were not evaluated, and the functional significance of this variant is currently unknown. In summary, the available evidence is currently insufficient to determine the role of this variant in disease. Therefore, it has been classified as a Variant of Uncertain Significance.